The following is an entry in ClinVar:

NM_001148.6(ANK2):c.2063T>A (p.Ile688Asn)

Gene: ANK2 (ankyrin 2; plus strand). Cytogenetic location: 4q26.
Variant type: single nucleotide variant.
Coding change: c.2063T>A on transcript NM_001148.6 (MANE Select); coding-DNA position 2063, T replaced by A.
Protein change: p.Ile688Asn; replaces isoleucine 688 with asparagine.
Molecular consequence: missense variant.
Genome position (GRCh38, 1-based): chr4:113,282,856, T>A. VCF-style: chr4-113282856-T-A. GRCh37 (hg19) VCF-style: chr4-114204012-T-A.
Other names: c.2108T>A, p.Ile703Asn (NM_001354242.2, NM_001386144.1, NM_001354230.2 and 5 more transcripts); c.1901T>A, p.Ile634Asn (NM_001354257.2, NM_001354253.2, NM_001354270.2 and 1 more transcripts); c.2063T>A, p.Ile688Asn (NM_001354258.2, NM_001354265.2, NM_020977.5 and 6 more transcripts); c.1877T>A, p.Ile626Asn (NM_001354260.2, NM_001386151.1, NM_001354271.2); c.2021T>A, p.Ile674Asn (NM_001354261.2, NM_001386147.1, NM_001386160.1); c.2000T>A, p.Ile667Asn (NM_001354262.2, NM_001386143.1, NM_001354252.2 and 10 more transcripts); c.1976T>A, p.Ile659Asn (NM_001354264.2, NM_001354266.2, NM_001354267.2 and 10 more transcripts); c.2051T>A, p.Ile684Asn (NM_001386148.2, NM_001386186.2); and 8 more; short protein forms I667N, I688N, I593N, I655N, I674N, I618N, I626N, I634N.
Identifiers: ClinVar variation 264395 (VCV000264395.11), dbSNP rs746436835, ClinGen allele CA3050427.

ClinVar aggregate classification (germline): Uncertain significance. Review status: criteria provided, multiple submitters, no conflicts (2 of 4 stars). 3 submissions from 3 submitters: Uncertain significance (3). Last evaluated 2024-08-17.

Conditions:
Cardiovascular phenotype. Identifiers: MedGen CN230736.
Long QT syndrome (LQTS). Identifiers: MedGen C0023976, MeSH D008133, MONDO:0002442. Disease mechanism: loss of function. Inheritance: Various modes of inheritance.

Allele frequency attached by ClinVar (database versions not stated): gnomAD exomes 0.00001 and 0.00002; TOPMed 0.00001; ExAC 0.00002; gnomAD 0.00001.
gnomAD v4.1: 4 of 1,613,822 alleles (0.00025%); highest among the groups gnomAD compares: East Asian, 0.0089%; no homozygotes.

Submissions (3):

Labcorp Genetics (formerly Invitae), Labcorp
Classification: Uncertain significance for Long QT syndrome. Last evaluated: 2024-08-17. Review status: criteria provided, single submitter. Criteria: Invitae Variant Classification Sherloc (09022015). Collection method: clinical testing. Allele origin: germline.
Comment: This sequence change replaces isoleucine, which is neutral and non-polar, with asparagine, which is neutral and polar, at codon 688 of the ANK2 protein (p.Ile688Asn). This variant is present in population databases (rs746436835, gnomAD 0.04%). This missense change has been observed in individual(s) with clinical features of neurodevelopmental disorder (PMID: 30564305, 33004838). This variant is also known as 4:114204012T>A and c.2000T>A (p.Ile667Asn). ClinVar contains an entry for this variant (Variation ID: 264395). Invitae Evidence Modeling of protein sequence and biophysical properties (such as structural, functional, and spatial information, amino acid conservation, physicochemical variation, residue mobility, and thermodynamic stability) indicates that this missense variant is not expected to disrupt ANK2 protein function with a negative predictive value of 80%. In summary, the available evidence is currently insufficient to determine the role of this variant in disease. Therefore, it has been classified as a Variant of Uncertain Significance.

Stanford Center for Inherited Cardiovascular Disease, Stanford University
Classification: Uncertain significance. Last evaluated: 2017-04-21. Review status: criteria provided, single submitter. Criteria: ACMG Guidelines, 2015. Collection method: provider interpretation. Allele origin: germline.

Ambry Genetics
Classification: Uncertain significance for Cardiovascular phenotype. Last evaluated: 2015-10-03. Review status: criteria provided, single submitter. Criteria: Ambry Variant Classification Scheme 2023. Collection method: clinical testing. Allele origin: germline.
Comment: The p.I688N variant (also known as c.2063T>A), located in coding exon 18 of the ANK2 gene, results from a T to A substitution at nucleotide position 2063. The isoleucine at codon 688 is replaced by asparagine, an amino acid with dissimilar properties. Based on data from ExAC, the A allele has an overall frequency of approximately 0.001% (2/120940). The highest observed frequency was 0.02% (2/8632) of East Asian alleles (Exome Aggregation Consortium (ExAC), Cambridge, MA (URL) [Accessed September 30, 2015]). This variant was not reported in population based cohorts in the following databases: Database of Single Nucleotide Polymorphisms (dbSNP), NHLBI Exome Sequencing Project (ESP), and 1000 Genomes Project. In the ESP, this variant was not observed in 6503 samples (13006 alleles) with coverage at this position. This amino acid position is not well conserved in available vertebrate species. In addition, the in silico prediction for this alteration is inconclusive. Since supporting evidence is limited at this time, the clinical significance of this variant remains unclear.

Literature cited by the submitters: PubMed 30564305 (cited by Labcorp Genetics (formerly Invitae), Labcorp); PubMed 33004838 (cited by Labcorp Genetics (formerly Invitae), Labcorp).